The following is an entry in ClinVar:

ClinVar aggregate classification (germline): Uncertain significance (1 of 4 stars; one submission).

Allele frequency attached by ClinVar (database versions not stated): gnomAD 0.00001; gnomAD exomes 0.00001; ExAC 0.00003.

Submission:

Ambry Genetics
Classification: Uncertain significance. Last evaluated: 2023-11-09. Review status: criteria provided, single submitter. Criteria: Ambry Variant Classification Scheme 2023. Collection method: clinical testing. Allele origin: germline.
Comment: The p.K910R variant (also known as c.2729A>G), located in coding exon 1 of the MLH3 gene, results from an A to G substitution at nucleotide position 2729. The lysine at codon 910 is replaced by arginine, an amino acid with highly similar properties. This amino acid position is conserved. In addition, this alteration is predicted to be tolerated by in silico analysis. Since supporting evidence is limited at this time, the clinical significance of this alteration remains unclear.

NM_001040108.2(MLH3):c.2729A>G (p.Lys910Arg)

Gene: MLH3 (mutL homolog 3; minus strand). Cytogenetic location: 14q24.3.
Variant type: single nucleotide variant.
Coding change: c.2729A>G on transcript NM_001040108.2 (MANE Select); coding-DNA position 2729, A replaced by G.
Protein change: p.Lys910Arg; replaces lysine 910 with arginine.
Molecular consequence: missense variant.
Genome position (GRCh38, 1-based): chr14:75,046,927, T>C on the plus strand (A>G on the coding strand, the complement: MLH3 is on the minus strand). VCF-style: chr14-75046927-T-C. GRCh37 (hg19) VCF-style: chr14-75513630-T-C.
Other names: c.2729A>G, p.Lys910Arg (NM_014381.3); short protein forms K910R.
Identifiers: ClinVar variation 1795257 (VCV001795257.2), dbSNP rs760701057, ClinGen allele CA7275649.